The following is an entry in ClinVar:

NM_018089.3(ANKZF1):c.704G>A (p.Arg235His)

Gene: ANKZF1 (ankyrin repeat and zinc finger peptidyl tRNA hydrolase 1; plus strand). Cytogenetic location: 2q35.
Variant type: single nucleotide variant.
Coding change: c.704G>A on transcript NM_018089.3 (MANE Select); coding-DNA position 704, G replaced by A.
Protein change: p.Arg235His; replaces arginine 235 with histidine.
Molecular consequence: missense variant.
Genome position (GRCh38, 1-based): chr2:219,233,318, G>A. VCF-style: chr2-219233318-G-A. GRCh37 (hg19) VCF-style: chr2-220098040-G-A.
Other names: c.704G>A (NM_018089.2); c.704G>A, p.Arg235His (NM_001042410.2); c.74G>A, p.Arg25His (NM_001282792.2); short protein forms R235H, R25H.
Identifiers: ClinVar variation 1473931 (VCV001473931.9), dbSNP rs763226262, ClinGen allele CA2120839.

ClinVar aggregate classification (germline): Uncertain significance. Review status: criteria provided, multiple submitters, no conflicts (2 of 4 stars). 2 submissions from 2 submitters: Uncertain significance (2). Last evaluated 2025-07-09.

Allele frequency attached by ClinVar (database versions not stated): ExAC 0.00001; gnomAD 0.00001; gnomAD exomes 0.00001; TOPMed 0.00001.
gnomAD v4.1: 10 of 1,614,102 alleles (0.00062%); highest among the groups gnomAD compares: Middle Eastern, 0.033%; no homozygotes.

Submissions (2):

Labcorp Genetics (formerly Invitae), Labcorp
Classification: Uncertain significance. Last evaluated: 2025-07-09. Review status: criteria provided, single submitter. Criteria: Invitae Variant Classification Sherloc (09022015). Collection method: clinical testing. Allele origin: germline.
Comment: This sequence change replaces arginine, which is basic and polar, with histidine, which is basic and polar, at codon 235 of the ANKZF1 protein (p.Arg235His). This variant is present in population databases (rs763226262, gnomAD 0.003%). This variant has not been reported in the literature in individuals affected with ANKZF1-related conditions. ClinVar contains an entry for this variant (Variation ID: 1473931). An algorithm developed to predict the effect of missense changes on protein structure and function (PolyPhen-2) suggests that this variant is likely to be disruptive. In summary, the available evidence is currently insufficient to determine the role of this variant in disease. Therefore, it has been classified as a Variant of Uncertain Significance.

Ambry Genetics
Classification: Uncertain significance. Last evaluated: 2025-03-15. Review status: criteria provided, single submitter. Criteria: Ambry Variant Classification Scheme 2023. Collection method: clinical testing. Allele origin: germline.